The following is an entry in ClinVar:

ClinVar aggregate classification (germline): Uncertain significance (1 of 4 stars; one submission).

Submission:

Labcorp Genetics (formerly Invitae), Labcorp
Classification: Uncertain significance. Last evaluated: 2021-08-05. Review status: criteria provided, single submitter. Criteria: Invitae Variant Classification Sherloc (09022015). Collection method: clinical testing. Allele origin: germline.
Comment: In summary, the available evidence is currently insufficient to determine the role of this variant in disease. Therefore, it has been classified as a Variant of Uncertain Significance. Nucleotide substitutions within the consensus splice site are a relatively common cause of aberrant splicing (PMID: 17576681, 9536098). Algorithms developed to predict the effect of sequence changes on RNA splicing suggest that this variant is not likely to affect RNA splicing. This variant has not been reported in the literature in individuals affected with SIAE-related conditions. This variant is not present in population databases (ExAC no frequency). This sequence change falls in intron 2 of the SIAE gene. It does not directly change the encoded amino acid sequence of the SIAE protein. It affects a nucleotide within the consensus splice site of the intron.

Literature cited by the submitters: PubMed 17576681; PubMed 9536098.

NM_170601.5(SIAE):c.229+4del

Gene: SIAE (sialic acid acetylesterase; minus strand). Cytogenetic location: 11q24.2.
Variant type: Deletion.
Coding change: c.229+4del on transcript NM_170601.5 (MANE Select); 4 bases into the intron after coding-DNA position 229, one base deleted (A; older notation c.229+4delA).
Molecular consequence: intron variant.
Genome position (GRCh38, 1-based): chr11:124,669,356, T deleted on the plus strand (A on the coding strand, the reverse complement: SIAE is on the minus strand); the first of 2 consecutive T bases (chr11:124,669,356-124,669,357); deleting either gives the same sequence. VCF-style (leftmost placement, unchanged base first): chr11-124669355-CT-C. GRCh37 (hg19) VCF-style: chr11-124539251-CT-C.
Other names: c.124+4del (NM_001199922.2).
Identifiers: ClinVar variation 1510581 (VCV001510581.6), dbSNP rs2134393466, ClinGen allele CA2573147005.